The following is an entry in ClinVar:

NM_001363711.2(DUOX2):c.989T>G (p.Val330Gly)

Gene: DUOX2 (dual oxidase 2; minus strand). Cytogenetic location: 15q21.1.
Variant type: single nucleotide variant.
Coding change: c.989T>G on transcript NM_001363711.2 (MANE Select); coding-DNA position 989, T replaced by G.
Protein change: p.Val330Gly; replaces valine 330 with glycine.
Molecular consequence: missense variant.
Genome position (GRCh38, 1-based): chr15:45,110,479, A>C on the plus strand (T>G on the coding strand, the complement: DUOX2 is on the minus strand). VCF-style: chr15-45110479-A-C. GRCh37 (hg19) VCF-style: chr15-45402677-A-C.
Other names: c.989T>G, p.Val330Gly (NM_014080.5); short protein forms V330G.
Identifiers: ClinVar variation 915463 (VCV000915463.2), dbSNP rs778178479, ClinGen allele CA392278103.

ClinVar aggregate classification (germline): Likely pathogenic (0 of 4 stars; one submission).

Conditions:
Thyroid dyshormonogenesis 6 (TDH6). Also called: HYPOTHYROIDISM, CONGENITAL, DUE TO DYSHORMONOGENESIS, 6; Genetic transient congenital hypothyroidism; THYROID HORMONOGENESIS, GENETIC DEFECT IN, 6. Identifiers: Orphanet 226316, Orphanet 95716, MedGen C1846632, MONDO:0011792, OMIM 607200.

Submission:

Department of Pediatrics, Division of Medical Genetics, Faculty of Medicine Ramathibodi Hospital, Mahidol University
Classification: Likely pathogenic for Thyroid dyshormonogenesis 6. Last evaluated: 2020-05-13. Review status: no assertion criteria provided. Collection method: research. Allele origin: germline. Inheritance: Autosomal recessive inheritance. Affected: yes. Observed: 1 compound heterozygote.